The following is an entry in ClinVar:

ClinVar aggregate classification (germline): Likely benign (1 of 4 stars; one submission).

Allele frequency attached by ClinVar (database versions not stated): TOPMed below 0.00001; gnomAD 0.00001.
gnomAD v4.1: 1 of 1,613,854 alleles (0.000062%); highest among the groups gnomAD compares: Non-Finnish European, 0.000085%; no homozygotes.

Submission:

CeGaT Center for Human Genetics Tuebingen
Classification: Likely benign. Last evaluated: 2022-12-01. Review status: criteria provided, single submitter. Criteria: CeGaT Center For Human Genetics Tuebingen Variant Classification Criteria Version 2. Collection method: clinical testing. Allele origin: germline. Affected: yes. Observed: 2 variant alleles.
Comment: POC5: BP4, BP7

NM_001099271.2(POC5):c.1263A>G (p.Pro421=)

Gene: POC5 (POC5 centriolar protein; minus strand). Cytogenetic location: 5q13.3.
Variant type: single nucleotide variant.
Coding change: c.1263A>G on transcript NM_001099271.2 (MANE Select); coding-DNA position 1263, A replaced by G.
Protein change: p.Pro421=; no amino-acid change (proline 421 retained).
Molecular consequence: synonymous variant.
Genome position (GRCh38, 1-based): chr5:75,685,351, T>C on the plus strand (A>G on the coding strand, the complement: POC5 is on the minus strand). VCF-style: chr5-75685351-T-C. GRCh37 (hg19) VCF-style: chr5-74981176-T-C.
Other names: c.1188A>G, p.Pro396= (NM_152408.3).
Identifiers: ClinVar variation 2655545 (VCV002655545.24), dbSNP rs1289410808, ClinGen allele CA444681106.
Genomic context (GRCh38, chr5:75,685,351, plus strand): 5'-GGTAGAAGTCATCGAAGCAGCTGAGGGAACGGCAGTCGCGCTGGCTCCTCCGACGGCGGC[T>C]GGTGGGGATGGCAGCAGTGGTGATGTAACTGGTAAGGGCATCGGAGGAGCTGAAGGATCC-3'
Protein context (NP_001092741.1, residues 411-431): PVTSPLLPSP[Pro421=]AAVGGASATA